The following is an entry in ClinVar:

ClinVar aggregate classification (germline): Uncertain significance (1 of 4 stars; one submission).

Conditions:
Cardiovascular phenotype. Identifiers: MedGen CN230736.

Allele frequency attached by ClinVar (database versions not stated): gnomAD 0.00001; gnomAD exomes 0.00001; TOPMed 0.00001; ExAC 0.00002.
gnomAD v4.1: 14 of 1,613,114 alleles (0.00087%); highest among the groups gnomAD compares: Non-Finnish European, 0.0012%; no homozygotes.

Submission:

Ambry Genetics
Classification: Uncertain significance for Cardiovascular phenotype. Last evaluated: 2018-11-16. Review status: criteria provided, single submitter. Criteria: Ambry Variant Classification Scheme 2023. Collection method: clinical testing. Allele origin: germline.
Comment: The p.V24289A variant (also known as c.72866T>C), located in coding exon 183 of the TTN gene, results from a T to C substitution at nucleotide position 72866. The valine at codon 24289 is replaced by alanine, an amino acid with similar properties. This amino acid position is well conserved in available vertebrate species; however, alanine is the reference amino acid in other vertebrate species. In addition, this alteration is predicted to be tolerated by in silico analysis. Since supporting evidence is limited at this time, the clinical significance of this alteration remains unclear. Since supporting evidence is limited at this time, the clinical significance of this alteration remains unclear.

NM_001267550.2(TTN):c.100061T>C (p.Val33354Ala)

Genes: TTN (titin; minus strand), TTN-AS1 (TTN antisense RNA 1; plus strand), LOC126806420 (BRD4-independent group 4 enhancer GRCh37_chr2:179401104-179402303; plus strand). Cytogenetic location: 2q31.2.
Variant type: single nucleotide variant.
Coding change: c.100061T>C on transcript NM_001267550.2 (MANE Select); coding-DNA position 100061, T replaced by C.
Protein change: p.Val33354Ala; replaces valine 33354 with alanine.
Molecular consequence: missense variant.
Genome position (GRCh38, 1-based): chr2:178,537,048, A>G on the plus strand (T>C on the coding strand, the complement: TTN is on the minus strand). VCF-style: chr2-178537048-A-G. GRCh37 (hg19) VCF-style: chr2-179401775-A-G.
Other names: c.95138T>C, p.Val31713Ala (NM_001256850.1); c.72866T>C, p.Val24289Ala (NM_003319.4); c.92357T>C, p.Val30786Ala (NM_133378.4); c.73241T>C, p.Val24414Ala (NM_133432.3); c.73442T>C, p.Val24481Ala (NM_133437.4); short protein forms V24289A, V24414A, V31713A, V33354A, V24481A, V30786A.
Identifiers: ClinVar variation 1758081 (VCV001758081.2), dbSNP rs759484221, ClinGen allele CA1986082.